The following is an entry in ClinVar:

NM_198334.3(GANAB):c.262G>A (p.Val88Met)

Gene: GANAB (glucosidase II alpha subunit; minus strand). Cytogenetic location: 11q12.3.
Variant type: single nucleotide variant.
Coding change: c.262G>A on transcript NM_198334.3 (MANE Select); coding-DNA position 262, G replaced by A.
Protein change: p.Val88Met; replaces valine 88 with methionine.
Molecular consequence: missense variant. On other transcripts: 5 prime UTR variant (5), intron variant (2).
Genome position (GRCh38, 1-based): chr11:62,639,101, C>T on the plus strand (G>A on the coding strand, the complement: GANAB is on the minus strand). VCF-style: chr11-62639101-C-T. GRCh37 (hg19) VCF-style: chr11-62406573-C-T.
Other names: c.262G>A (NM_198335.2); c.-30G>A (NM_001278194.2, NM_001329222.2, NM_001329223.2); c.-515G>A (NM_001329224.2, NM_001329225.2); c.262G>A, p.Val88Met (NM_198335.4); c.39-4101G>A (NM_001278193.2, NM_001278192.2); short protein forms V88M.
Identifiers: ClinVar variation 1185014 (VCV001185014.23), dbSNP rs145841521, ClinGen allele CA6051149.

ClinVar aggregate classification (germline): Conflicting classifications of pathogenicity. Review status: criteria provided, conflicting classifications (1 of 4 stars). 6 submissions from 6 submitters: Uncertain significance (3); Likely benign (3). Last evaluated 2024-10-11.

Conditions:
Polycystic kidney disease 3 with or without polycystic liver disease. Also called: Polycystic kidney disease 3; Polycystic Kidney and/or Polycystic Liver Disease 3; POLYCYSTIC KIDNEY DISEASE, ADULT, TYPE III. Identifiers: MedGen C3887964, MONDO:0010916, OMIM 600666.
Inborn genetic diseases. Identifiers: MedGen C0950123, MeSH D030342.

Allele frequency attached by ClinVar (database versions not stated): gnomAD exomes 0.00006 and 0.00011; gnomAD 0.00007 and 0.00008; TOPMed 0.00008; ExAC 0.00009; ESP Exome Variant Server 0.00023.
gnomAD v4.1: 186 of 1,613,750 alleles (0.012%); highest among the groups gnomAD compares: Non-Finnish European, 0.014%; 1 homozygote.

Submissions (6):

Blueprint Genetics
Classification: Uncertain significance. Last evaluated: 2024-10-11. Review status: criteria provided, single submitter. Criteria: ACMG Guidelines, 2015. Collection method: clinical testing. Allele origin: germline.

CeGaT Center for Human Genetics Tuebingen
Classification: Likely benign. Last evaluated: 2024-09-01. Review status: criteria provided, single submitter. Criteria: CeGaT Center For Human Genetics Tuebingen Variant Classification Criteria Version 2. Collection method: clinical testing. Allele origin: germline. Affected: yes. Observed: 1 variant allele.
Comment: GANAB: BP4

Labcorp Genetics (formerly Invitae), Labcorp
Classification: Uncertain significance. Last evaluated: 2024-02-18. Review status: criteria provided, single submitter. Criteria: Invitae Variant Classification Sherloc (09022015). Collection method: clinical testing. Allele origin: germline.
Comment: This sequence change replaces valine, which is neutral and non-polar, with methionine, which is neutral and non-polar, at codon 88 of the GANAB protein (p.Val88Met). This variant is present in population databases (rs145841521, gnomAD 0.01%). This variant has not been reported in the literature in individuals affected with GANAB-related conditions. ClinVar contains an entry for this variant (Variation ID: 1185014). Advanced modeling of protein sequence and biophysical properties (such as structural, functional, and spatial information, amino acid conservation, physicochemical variation, residue mobility, and thermodynamic stability) performed at Invitae indicates that this missense variant is not expected to disrupt GANAB protein function with a negative predictive value of 80%. In summary, the available evidence is currently insufficient to determine the role of this variant in disease. Therefore, it has been classified as a Variant of Uncertain Significance.

Fulgent Genetics
Classification: Likely benign for Polycystic kidney disease 3 with or without polycystic liver disease. Last evaluated: 2023-12-28. Review status: criteria provided, single submitter. Criteria: ACMG Guidelines, 2015. Collection method: clinical testing. Allele origin: germline.

Ambry Genetics
Classification: Uncertain significance for Inborn genetic diseases. Last evaluated: 2023-03-06. Review status: criteria provided, single submitter. Criteria: Ambry Variant Classification Scheme 2023. Collection method: clinical testing. Allele origin: germline.

Johns Hopkins Genomics, Johns Hopkins University
Classification: Likely benign for Polycystic kidney disease 3 with or without polycystic liver disease. Last evaluated: 2021-06-07. Review status: criteria provided, single submitter. Criteria: ACMG Guidelines, 2015. Collection method: clinical testing. Allele origin: germline.